The following is an entry in ClinVar:

NM_022089.4(ATP13A2):c.1543-9C>T

Gene: ATP13A2 (ATPase cation transporting 13A2; minus strand). Cytogenetic location: 1p36.13.
Variant type: single nucleotide variant.
Coding change: c.1543-9C>T on transcript NM_022089.4 (MANE Select); 9 bases into the intron before coding-DNA position 1543, C replaced by T.
Molecular consequence: intron variant.
Genome position (GRCh38, 1-based): chr1:16,993,844, G>A on the plus strand (C>T on the coding strand, the complement: ATP13A2 is on the minus strand). VCF-style: chr1-16993844-G-A. GRCh37 (hg19) VCF-style: chr1-17320339-G-A.
Other names: p.?; c.1528-9C>T (NM_001141974.3, NM_001141973.3).
Identifiers: ClinVar variation 704263 (VCV000704263.12), dbSNP rs563459900, ClinGen allele CA637145.

ClinVar aggregate classification (germline): Likely benign. Review status: criteria provided, multiple submitters, no conflicts (2 of 4 stars). 3 submissions from 3 submitters: Likely benign (3). Last evaluated 2025-11-17.

Conditions:
Kufor-Rakeb syndrome (KRS). Also called: PARKINSON DISEASE 9, AUTOSOMAL RECESSIVE, JUVENILE-ONSET. Identifiers: Orphanet 306674, Orphanet 314632, MedGen C1847640, MONDO:0011706, OMIM 606693.
Autosomal recessive spastic paraplegia type 78. Identifiers: Orphanet 513436, MedGen C5567893, MONDO:0014975, OMIM 617225.

Allele frequency attached by ClinVar (database versions not stated): ExAC below 0.00001; gnomAD exomes 0.00001 and 0.00005; gnomAD 0.00018 and 0.00021; TOPMed 0.00023; 1000 Genomes Project 0.00040; 1000 Genomes Project 30x 0.00047.
gnomAD v4.1: 52 of 1,545,932 alleles (0.0034%); highest among the groups gnomAD compares: Admixed American, 0.096%; no homozygotes.

Submissions (3):

Labcorp Genetics (formerly Invitae), Labcorp
Classification: Likely benign for Kufor-Rakeb syndrome; Autosomal recessive spastic paraplegia type 78. Last evaluated: 2025-11-17. Review status: criteria provided, single submitter. Criteria: Invitae Variant Classification Sherloc (09022015). Collection method: clinical testing. Allele origin: germline.

Mayo Clinic Laboratories, Mayo Clinic
Classification: Likely benign. Last evaluated: 2025-10-19. Review status: criteria provided, single submitter. Criteria: ACMG Guidelines, 2015. Collection method: clinical testing. Allele origin: germline. Observed: 1 variant allele.
Comment: BP4, BP7

Blueprint Genetics
Classification: Likely benign. Last evaluated: 2022-11-01. Review status: criteria provided, single submitter. Criteria: ACMG Guidelines, 2015. Collection method: clinical testing. Allele origin: germline.